The following is an entry in ClinVar:

NM_000186.4(CFH):c.1164A>C (p.Lys388Asn)

Gene: CFH (complement factor H; plus strand). Cytogenetic location: 1q31.3.
Variant type: single nucleotide variant.
Coding change: c.1164A>C on transcript NM_000186.4 (MANE Select); coding-DNA position 1164, A replaced by C.
Protein change: p.Lys388Asn; replaces lysine 388 with asparagine.
Molecular consequence: missense variant.
Genome position (GRCh38, 1-based): chr1:196,690,067, A>C. VCF-style: chr1-196690067-A-C. GRCh37 (hg19) VCF-style: chr1-196659197-A-C.
Other names: c.1164A>C, p.Lys388Asn (NM_001014975.3); short protein forms K388N.
Identifiers: ClinVar variation 1723621 (VCV001723621.2), dbSNP rs2529388406, ClinGen allele CA343980504.

ClinVar aggregate classification (germline): Uncertain significance (1 of 4 stars; one submission).

Submission:

GeneDx
Classification: Uncertain significance. Last evaluated: 2022-11-07. Review status: criteria provided, single submitter. Criteria: GeneDx Variant Classification Process June 2021. Collection method: clinical testing. Allele origin: germline. Affected: yes.
Comment: Not observed at significant frequency in large population cohorts (gnomAD); In silico analysis supports that this missense variant has a deleterious effect on protein structure/function; Has not been previously published as pathogenic or benign to our knowledge